The following is an entry in ClinVar:

NM_000393.5(COL5A2):c.2506C>G (p.Arg836Gly)

Gene: COL5A2 (collagen type V alpha 2 chain; minus strand). Cytogenetic location: 2q32.2.
Variant type: single nucleotide variant.
Coding change: c.2506C>G on transcript NM_000393.5 (MANE Select); coding-DNA position 2506, C replaced by G.
Protein change: p.Arg836Gly; replaces arginine 836 with glycine.
Molecular consequence: missense variant.
Genome position (GRCh38, 1-based): chr2:189,053,471, G>C on the plus strand (C>G on the coding strand, the complement: COL5A2 is on the minus strand). VCF-style: chr2-189053471-G-C. GRCh37 (hg19) VCF-style: chr2-189918197-G-C.
Other names: short protein forms R836G.
Identifiers: ClinVar variation 408286 (VCV000408286.12), dbSNP rs367718811, ClinGen allele CA2022283.

ClinVar aggregate classification (germline): Conflicting classifications of pathogenicity. Review status: criteria provided, conflicting classifications (1 of 4 stars). 3 submissions from 3 submitters: Uncertain significance (2); Likely benign (1). Last evaluated 2026-03-02.

Conditions:
Familial thoracic aortic aneurysm and aortic dissection (TAAD). Also called: Thoracic aortic aneurysms and dissections. Identifiers: Orphanet 91387, MedGen C4707243, MONDO:0019625.
Ehlers-Danlos syndrome, classic type, 1 (EDSCL1). Also called: EHLERS-DANLOS SYNDROME, GRAVIS TYPE; EHLERS-DANLOS SYNDROME, SEVERE CLASSIC TYPE; Ehlers-Danlos Syndrome, Classic Type, COL5A1-Related; EDS I; Ehlers-Danlos syndrome, type 1. Identifiers: MedGen C0268335, MONDO:0019567, OMIM 130000.

Allele frequency attached by ClinVar (database versions not stated): ExAC 0.00001; gnomAD 0.00001; ESP Exome Variant Server 0.00008; gnomAD exomes below 0.00001; TOPMed 0.00003.
gnomAD v4.1: 15 of 1,613,438 alleles (0.00093%); highest among the groups gnomAD compares: Non-Finnish European, 0.0013%; no homozygotes.

Submissions (3):

Women's Health and Genetics/Laboratory Corporation of America, LabCorp
Classification: Uncertain significance. Last evaluated: 2026-03-02. Review status: criteria provided, single submitter. Criteria: LabCorp Variant Classification Summary - May 2015. Collection method: clinical testing. Allele origin: germline.
Comment: Variant summary: COL5A2 c.2506C>G (p.Arg836Gly) results in a non-conservative amino acid change in the encoded protein sequence. Algorithms developed to predict the effect of missense changes on protein structure and function all suggest that this variant is likely to be disruptive. The variant allele was found at a frequency of 4e-06 in 251364 control chromosomes. The available data on variant occurrences in the general population are insufficient to allow any conclusion about variant significance. To our knowledge, no occurrence of c.2506C>G in individuals affected with COL5A2-related conditions and no experimental evidence demonstrating its impact on protein function have been reported. ClinVar contains an entry for this variant (Variation ID: 408286). Based on the evidence outlined above, the variant was classified as uncertain significance.

Labcorp Genetics (formerly Invitae), Labcorp
Classification: Likely benign for Ehlers-Danlos syndrome, classic type, 1. Last evaluated: 2025-11-01. Review status: criteria provided, single submitter. Criteria: Invitae Variant Classification Sherloc (09022015). Collection method: clinical testing. Allele origin: germline.

Ambry Genetics
Classification: Uncertain significance for Familial thoracic aortic aneurysm and aortic dissection. Last evaluated: 2023-07-05. Review status: criteria provided, single submitter. Criteria: Ambry Variant Classification Scheme 2023. Collection method: clinical testing. Allele origin: germline.
Comment: The p.R836G variant (also known as c.2506C>G), located in coding exon 38 of the COL5A2 gene, results from a C to G substitution at nucleotide position 2506. The arginine at codon 836 is replaced by glycine, an amino acid with dissimilar properties. This amino acid position is highly conserved in available vertebrate species. In addition, this alteration is predicted to be deleterious by in silico analysis. Since supporting evidence is limited at this time, the clinical significance of this alteration remains unclear.